The following is an entry in ClinVar:

ClinVar aggregate classification (germline): Uncertain significance (1 of 4 stars; one submission).

Conditions:
Aortic aneurysm, familial thoracic 7 (AAT7). Also called: AORTIC DISSECTION, FAMILIAL, WITH OR WITHOUT AORTIC ANEURYSM. Identifiers: MedGen C3151077, MONDO:0013418, OMIM 613780.

Submission:

Labcorp Genetics (formerly Invitae), Labcorp
Classification: Uncertain significance for Aortic aneurysm, familial thoracic 7. Last evaluated: 2023-11-07. Review status: criteria provided, single submitter. Criteria: Invitae Variant Classification Sherloc (09022015). Collection method: clinical testing. Allele origin: germline.
Comment: This sequence change replaces aspartic acid, which is acidic and polar, with histidine, which is basic and polar, at codon 1372 of the MYLK protein (p.Asp1372His). This variant is not present in population databases (gnomAD no frequency). This variant has not been reported in the literature in individuals affected with MYLK-related conditions. Advanced modeling of protein sequence and biophysical properties (such as structural, functional, and spatial information, amino acid conservation, physicochemical variation, residue mobility, and thermodynamic stability) performed at Invitae indicates that this missense variant is not expected to disrupt MYLK protein function with a negative predictive value of 80%. In summary, the available evidence is currently insufficient to determine the role of this variant in disease. Therefore, it has been classified as a Variant of Uncertain Significance.

NM_053025.4(MYLK):c.4114G>C (p.Asp1372His)

Gene: MYLK (myosin light chain kinase; minus strand). Cytogenetic location: 3q21.1.
Variant type: single nucleotide variant.
Coding change: c.4114G>C on transcript NM_053025.4 (MANE Select); coding-DNA position 4114, G replaced by C.
Protein change: p.Asp1372His; replaces aspartic acid 1372 with histidine.
Molecular consequence: missense variant.
Genome position (GRCh38, 1-based): chr3:123,657,300, C>G on the plus strand (G>C on the coding strand, the complement: MYLK is on the minus strand). VCF-style: chr3-123657300-C-G. GRCh37 (hg19) VCF-style: chr3-123376147-C-G.
Other names: c.3586G>C, p.Asp1196His (NM_001321309.2); c.3907G>C, p.Asp1303His (NM_053026.4, NM_053028.4); c.4114G>C, p.Asp1372His (NM_053027.4); short protein forms D1196H, D1372H, D1303H.
Identifiers: ClinVar variation 2782948 (VCV002782948.3), dbSNP rs2473539512, ClinGen allele CA354228104.
Genomic context (GRCh38, chr3:123,657,300, plus strand): 5'-GGACGTTGAAAGAGGTGCTGCGGCATGTGGCTAGTTCCTTCCACGTCTTGTTGGCTGAGT[C>G]CCAGATCTCGATGCTGTAGGACTGTACAGCACTGCCCCCATCATATGAGGAGCCATACCA-3'
Protein context (NP_444253.3, residues 1362-1382): AVQSYSIEIW[Asp1372His]SANKTWKELA